The following is an entry in ClinVar:

ClinVar aggregate classification (germline): Uncertain significance (1 of 4 stars; one submission).

Conditions:
Kabuki syndrome. Also called: NIIKAWA-KUROKI SYNDROME; Kabuki make-up syndrome. Identifiers: Orphanet 2322, MedGen C0796004, MONDO:0016512.

Submission:

Labcorp Genetics (formerly Invitae), Labcorp
Classification: Uncertain significance for Kabuki syndrome. Last evaluated: 2023-11-24. Review status: criteria provided, single submitter. Criteria: Invitae Variant Classification Sherloc (09022015). Collection method: clinical testing. Allele origin: germline.
Comment: This sequence change replaces proline, which is neutral and non-polar, with arginine, which is basic and polar, at codon 2202 of the KMT2D protein (p.Pro2202Arg). This variant is not present in population databases (gnomAD no frequency). This variant has not been reported in the literature in individuals affected with KMT2D-related conditions. Advanced modeling of protein sequence and biophysical properties (such as structural, functional, and spatial information, amino acid conservation, physicochemical variation, residue mobility, and thermodynamic stability) performed at Invitae indicates that this missense variant is not expected to disrupt KMT2D protein function with a negative predictive value of 95%. In summary, the available evidence is currently insufficient to determine the role of this variant in disease. Therefore, it has been classified as a Variant of Uncertain Significance.

NM_003482.4(KMT2D):c.6605C>G (p.Pro2202Arg)

Gene: KMT2D (lysine methyltransferase 2D; minus strand). Cytogenetic location: 12q13.12.
Variant type: single nucleotide variant.
Coding change: c.6605C>G on transcript NM_003482.4 (MANE Select); coding-DNA position 6605, C replaced by G.
Protein change: p.Pro2202Arg; replaces proline 2202 with arginine.
Molecular consequence: missense variant.
Genome position (GRCh38, 1-based): chr12:49,041,165, G>C on the plus strand (C>G on the coding strand, the complement: KMT2D is on the minus strand). VCF-style: chr12-49041165-G-C. GRCh37 (hg19) VCF-style: chr12-49434948-G-C.
Other names: short protein forms P2202R.
Identifiers: ClinVar variation 2698295 (VCV002698295.3), dbSNP rs759466173, ClinGen allele CA384750322.
Genomic context (GRCh38, chr12:49,041,165, plus strand): 5'-TGGCCAGCCCCAGGACGAGATGAGGCGCCCAGCATCGGGGGCTGCGCAGGGGCCCCCGTA[G>C]GACTAGGATAGGGGGGATAGGTGGGCGGTGCCGTGGGGAAGCGGGGCTCCAGGGGATAGG-3'
Protein context (NP_003473.3, residues 2192-2212): APPTYPPYPS[Pro2202Arg]TGAPAQPPML